The following is an entry in ClinVar:

NM_000179.3(MSH6):c.3916_3920dup (p.Asn1307fs)

Gene: MSH6 (mutS homolog 6; plus strand). Cytogenetic location: 2p16.3.
Variant type: Duplication.
Coding change: c.3916_3920dup on transcript NM_000179.3 (MANE Select); coding-DNA positions 3916 to 3920, 5 bases duplicated (GCTAA; older notation c.3916_3920dupGCTAA).
Protein change: p.Asn1307fs; shifts the reading frame from asparagine 1307.
Molecular consequence: frameshift variant.
Genome position (GRCh38, 1-based): chr2:47,806,566-47,806,570, GCTAA duplicated. VCF-style (leftmost placement, unchanged base first): chr2-47806565-T-TGCTAA. GRCh37 (hg19) VCF-style: chr2-48033704-T-TGCTAA.
Other names: c.3526_3530dup, p.Asn1177fs (NM_001281492.2); c.3010_3014dup, p.Asn1005fs (NM_001281493.2, NM_001281494.2); c.3916_3920dupGCTAA (NM_000179.2); short protein forms N1005fs, N1177fs, N1307fs.
Identifiers: ClinVar variation 834526 (VCV000834526.13), dbSNP rs1670120965, ClinGen allele CA916080292.

ClinVar aggregate classification (germline): Pathogenic/Likely pathogenic. Review status: criteria provided, multiple submitters, no conflicts (2 of 4 stars). 3 submissions from 3 submitters: Pathogenic (2); Likely pathogenic (1). Last evaluated 2022-01-19.

Conditions:
Lynch syndrome 5 (LYNCH5). Also called: Colorectal cancer, hereditary nonpolyposis, type 5; Hereditary non-polyposis colorectal cancer, type 5. Identifiers: Orphanet 144, MedGen C1833477, MONDO:0013710, OMIM 614350. Disease mechanism: loss of function.
Hereditary nonpolyposis colorectal neoplasms. Identifiers: MedGen C0009405, MeSH D003123.
Hereditary cancer-predisposing syndrome. Also called: Hereditary neoplastic syndrome; Neoplastic Syndromes, Hereditary; Tumor predisposition; Hereditary Cancer Syndrome. Identifiers: Orphanet 140162, MedGen C0027672, MeSH D009386, MONDO:0015356.

Submissions (3):

Ambry Genetics
Classification: Likely pathogenic for Hereditary cancer-predisposing syndrome. Last evaluated: 2022-01-19. Review status: criteria provided, single submitter. Criteria: Ambry Variant Classification Scheme 2023. Collection method: clinical testing. Allele origin: germline.
Comment: The c.3916_3920dupGCTAA variant, located in coding exon 9 of the MSH6 gene, results from a duplication of GCTAA at nucleotide position 3916, causing a translational frameshift with a predicted alternate stop codon (p.N1307Kfs*22). This alteration occurs at the 3' terminus of theMSH6 gene, is not expected to trigger nonsense-mediated mRNA decay, and only impacts the last 55 amino acids of the protein. However, premature stop codons are typically deleterious in nature and the impacted region is critical for protein function (Ambry internal data). Other variants resulting in premature protein truncation even further downstream (p.R1331* and c.3984_3987dupGTCA, respectively) have been identified in individuals with Lynch syndrome and constitutional mismatch repair deficiency (CMMRD) (Bakry D et al. Eur J Cancer, 2014 Mar;50:987-96; Ambry internal data). This variant is considered to be rare based on population cohorts in the Genome Aggregation Database (gnomAD). Based on the majority of available evidence to date, this variant is likely to be pathogenic.

Labcorp Genetics (formerly Invitae), Labcorp
Classification: Pathogenic for Hereditary nonpolyposis colorectal neoplasms. Last evaluated: 2021-04-08. Review status: criteria provided, single submitter. Criteria: Invitae Variant Classification Sherloc (09022015). Collection method: clinical testing. Allele origin: germline.
Comment: This sequence change results in a premature translational stop signal in the MSH6 gene (p.Asn1307Lysfs*22). While this is not anticipated to result in nonsense mediated decay, it is expected to disrupt the last 54 amino acids of the MSH6 protein. This variant is not present in population databases (ExAC no frequency). This variant has not been reported in the literature in individuals with MSH6-related conditions. ClinVar contains an entry for this variant (Variation ID: 834526). This variant disrupts the C-terminus of the MSH6 protein. Other variant(s) that disrupt this region (p.Leu1330Valfs*12) have been determined to be pathogenic (PMID: 4520694, 15236168, 16237223, 19851887, 21155762, 26440929, 19851887, 21155762). This suggests that variants that disrupt this region of the protein are likely to be causative of disease. For these reasons, this variant has been classified as Pathogenic.

Department of Pathology and Laboratory Medicine, Sinai Health System
Classification: Pathogenic for Lynch syndrome 5. Last evaluated: 2021-03-30. Review status: criteria provided, single submitter. Criteria: ACMG Guidelines, 2015. Collection method: clinical testing. Allele origin: germline. Affected: yes.

Literature cited by the submitters: PubMed 24440087 (cited by Ambry Genetics); PubMed 4520694 (cited by Labcorp Genetics (formerly Invitae), Labcorp); PubMed 15236168 (cited by Labcorp Genetics (formerly Invitae), Labcorp); PubMed 16237223 (cited by Labcorp Genetics (formerly Invitae), Labcorp); PubMed 19851887 (cited by Labcorp Genetics (formerly Invitae), Labcorp and Department of Pathology and Laboratory Medicine, Sinai Health System); PubMed 21155762 (cited by Labcorp Genetics (formerly Invitae), Labcorp and Department of Pathology and Laboratory Medicine, Sinai Health System); PubMed 26440929 (cited by Labcorp Genetics (formerly Invitae), Labcorp and Department of Pathology and Laboratory Medicine, Sinai Health System).